The following is an entry in ClinVar:

NM_002335.4(LRP5):c.1990AAC[1] (p.Asn665del)

Gene: LRP5 (LDL receptor related protein 5; plus strand). Cytogenetic location: 11q13.2.
Variant type: Microsatellite.
Coding change: c.1990AAC[1] on transcript NM_002335.4 (MANE Select); one copy of the 3-base unit AAC starting at c.1990; the reference has two copies in a row; one copy, 3 bases deleted; also written c.1993_1995del.
Protein change: p.Asn665del; deletes asparagine 665.
Molecular consequence: inframe deletion.
Genome position (GRCh38, 1-based): chr11:68,406,715-68,406,717, AAC deleted; deleting any 3 consecutive bases within chr11:68,406,712-68,406,717 gives the same sequence; the position shown is the placement nearest the transcript's 3' end. VCF-style (leftmost placement, unchanged base first): chr11-68406711-TAAC-T. GRCh37 (hg19) VCF-style: chr11-68174179-TAAC-T.
Other names: c.1993_1995del (NM_002335.2, NM_002335.4); c.1993_1995delAAC (NM_002335.3, NM_002335.4); c.247AAC[1], p.Asn84del (NM_001291902.2); short protein forms N84del, N665del.
Identifiers: ClinVar variation 934824 (VCV000934824.16), dbSNP rs780882911, ClinGen allele CA6149500.

ClinVar aggregate classification (germline): Uncertain significance. Review status: criteria provided, multiple submitters, no conflicts (2 of 4 stars). 6 submissions from 6 submitters: Uncertain significance (6). Last evaluated 2026-04-09.

Conditions:
LRP5-related disorder. Also called: LRP5-related condition.
LRP5-related exudative vitreoretinopathy. Identifiers: MedGen CN375903, MONDO:0700228.
Autosomal dominant osteopetrosis 1 (OPTA1). Also called: OSTEOPETROSIS, AUTOSOMAL DOMINANT, TYPE I. Identifiers: Orphanet 2783, MedGen C1843330, MONDO:0011877, OMIM 607634.
Worth disease. Also called: ENDOSTEAL HYPEROSTOSIS, AUTOSOMAL DOMINANT; OSTEOSCLEROSIS, AUTOSOMAL DOMINANT; Autosomal dominant osteosclerosis, Worth type. Identifiers: Orphanet 2790, MedGen C0432273, MONDO:0007764, OMIM 144750.
Polycystic liver disease 4 with or without kidney cysts. Identifiers: MedGen C4693479, MONDO:0044327, OMIM 617875.
Exudative vitreoretinopathy 4 (EVR4). Identifiers: Orphanet 891, MedGen C1866176, MONDO:0011151, OMIM 601813.
Osteoporosis with pseudoglioma (OPPG). Also called: osteoporosis-pseudoglioma syndrome. Identifiers: Orphanet 2788, MedGen C0432252, MONDO:0009820, OMIM 259770.
Bone mineral density quantitative trait locus 1 (BMND1). Identifiers: MedGen C1866079, OMIM 601884.

Submissions (6):

PreventionGenetics, part of Exact Sciences
Classification: Uncertain significance for LRP5-related condition. Last evaluated: 2026-04-09. Review status: criteria provided, single submitter. Criteria: ACMG Guidelines, 2015. Collection method: clinical testing. Allele origin: germline.
Comment: The LRP5 c.1993_1995delAAC variant is predicted to result in an in-frame deletion (p.Asn665del). To our knowledge, this variant has not been reported in the literature. This variant is reported in 0.0065% of alleles in individuals of South Asian descent in gnomAD. At this time, the clinical significance of this variant is uncertain due to the absence of conclusive functional and genetic evidence.

GeneDx
Classification: Uncertain significance. Last evaluated: 2026-01-22. Review status: criteria provided, single submitter. Criteria: GeneDx Variant Classification Process June 2021. Collection method: clinical testing. Allele origin: germline.
Comment: In-frame deletion of 1 amino acid in a non-repeat region; In silico analysis supports a deleterious effect on protein structure/function; Has not been previously published as pathogenic or benign to our knowledge

Labcorp Genetics (formerly Invitae), Labcorp
Classification: Uncertain significance. Last evaluated: 2025-09-30. Review status: criteria provided, single submitter. Criteria: Invitae Variant Classification Sherloc (09022015). Collection method: clinical testing. Allele origin: germline.
Comment: This variant, c.1993_1995del, results in the deletion of 1 amino acid(s) of the LRP5 protein (p.Asn665del), but otherwise preserves the integrity of the reading frame. This variant is present in population databases (rs780882911, gnomAD 0.004%). This variant has not been reported in the literature in individuals affected with LRP5-related conditions. ClinVar contains an entry for this variant (Variation ID: 934824). Experimental studies and prediction algorithms are not available or were not evaluated, and the functional significance of this variant is currently unknown. In summary, the available evidence is currently insufficient to determine the role of this variant in disease. Therefore, it has been classified as a Variant of Uncertain Significance.

Fulgent Genetics
Classification: Uncertain significance for Worth disease; Osteoporosis with pseudoglioma; Exudative vitreoretinopathy 4; Bone mineral density quantitative trait locus 1; Autosomal dominant osteopetrosis 1; Polycystic liver disease 4 with or without kidney cysts. Last evaluated: 2024-05-25. Review status: criteria provided, single submitter. Criteria: ACMG Guidelines, 2015. Collection method: clinical testing. Allele origin: germline.

Blueprint Genetics
Classification: Uncertain significance. Last evaluated: 2024-02-27. Review status: criteria provided, single submitter. Criteria: ACMG Guidelines, 2015. Collection method: clinical testing. Allele origin: germline.

Department of Pathology and Laboratory Medicine, Sinai Health System
Classification: Uncertain significance for LRP5-related exudative vitreoretinopathy. Last evaluated: 2020-07-30. Review status: criteria provided, single submitter. Criteria: ACMG Guidelines, 2015. Collection method: research. Allele origin: germline.